The following is an entry in ClinVar:

NM_006361.6(HOXB13):c.29A>T (p.Asp10Val)

Gene: HOXB13 (homeobox B13; minus strand). Cytogenetic location: 17q21.32.
Variant type: single nucleotide variant.
Coding change: c.29A>T on transcript NM_006361.6 (MANE Select); coding-DNA position 29, A replaced by T.
Protein change: p.Asp10Val; replaces aspartic acid 10 with valine.
Molecular consequence: missense variant.
Genome position (GRCh38, 1-based): chr17:48,728,565, T>A on the plus strand (A>T on the coding strand, the complement: HOXB13 is on the minus strand). VCF-style: chr17-48728565-T-A. GRCh37 (hg19) VCF-style: chr17-46805927-T-A.
Other names: short protein forms D10V.
Identifiers: ClinVar variation 4271768 (VCV004271768.1).

ClinVar aggregate classification (germline): Uncertain significance (1 of 4 stars; one submission).

Conditions:
Hereditary cancer-predisposing syndrome. Also called: Hereditary Cancer Syndrome; Hereditary neoplastic syndrome; Neoplastic Syndromes, Hereditary; Tumor predisposition. Identifiers: Orphanet 140162, MedGen C0027672, MeSH D009386, MONDO:0015356.

Submission:

Ambry Genetics
Classification: Uncertain significance for Hereditary cancer-predisposing syndrome. Last evaluated: 2025-08-27. Review status: criteria provided, single submitter. Criteria: Ambry Variant Classification Scheme 2023. Collection method: clinical testing. Allele origin: germline.
Comment: The p.D10V variant (also known as c.29A>T), located in coding exon 1 of the HOXB13 gene, results from an A to T substitution at nucleotide position 29. The aspartic acid at codon 10 is replaced by valine, an amino acid with highly dissimilar properties. This amino acid position is conserved. In addition, this alteration is predicted to be deleterious by in silico analysis. Based on the available evidence, the clinical significance of this variant remains unclear.